The following is an entry in ClinVar:

NM_004795.4(KL):c.1716T>G (p.Cys572Trp)

Gene: KL (klotho; plus strand). Cytogenetic location: 13q13.1.
Variant type: single nucleotide variant.
Coding change: c.1716T>G on transcript NM_004795.4 (MANE Select); coding-DNA position 1716, T replaced by G.
Protein change: p.Cys572Trp; replaces cysteine 572 with tryptophan.
Molecular consequence: missense variant.
Genome position (GRCh38, 1-based): chr13:33,060,795, T>G. VCF-style: chr13-33060795-T-G. GRCh37 (hg19) VCF-style: chr13-33634932-T-G.
Other names: short protein forms C572W.
Identifiers: ClinVar variation 2799436 (VCV002799436.3), dbSNP rs2501788977, ClinGen allele CA387794458.

ClinVar aggregate classification (germline): Uncertain significance (1 of 4 stars; one submission).

Allele frequency attached by ClinVar (database versions not stated): gnomAD exomes below 0.00001.
gnomAD v4.1: 3 of 1,614,226 alleles (0.00019%); highest among the groups gnomAD compares: Non-Finnish European, 0.00025%; no homozygotes.

Submission:

Labcorp Genetics (formerly Invitae), Labcorp
Classification: Uncertain significance. Last evaluated: 2022-11-11. Review status: criteria provided, single submitter. Criteria: Invitae Variant Classification Sherloc (09022015). Collection method: clinical testing. Allele origin: germline.
Comment: This sequence change replaces cysteine, which is neutral and slightly polar, with tryptophan, which is neutral and slightly polar, at codon 572 of the KL protein (p.Cys572Trp). This variant is not present in population databases (gnomAD no frequency). This variant has not been reported in the literature in individuals affected with KL-related conditions. Advanced modeling of protein sequence and biophysical properties (such as structural, functional, and spatial information, amino acid conservation, physicochemical variation, residue mobility, and thermodynamic stability) performed at Invitae indicates that this missense variant is expected to disrupt KL protein function. In summary, the available evidence is currently insufficient to determine the role of this variant in disease. Therefore, it has been classified as a Variant of Uncertain Significance.